The following is an entry in ClinVar:

NM_000198.4(HSD3B2):c.1028dup (p.Tyr343Ter)

Gene: HSD3B2 (hydroxy-delta-5-steroid dehydrogenase, 3 beta- and steroid delta-isomerase 2; plus strand). Cytogenetic location: 1p12.
Variant type: Duplication.
Coding change: c.1028dup on transcript NM_000198.4 (MANE Select); coding-DNA position 1028, one base duplicated (A; older notation c.1028dupA).
Protein change: p.Tyr343Ter; replaces tyrosine 343 with a stop codon.
Molecular consequence: nonsense.
Genome position (GRCh38, 1-based): chr1:119,422,529, A duplicated. VCF-style (leftmost placement, unchanged base first): chr1-119422528-T-TA. GRCh37 (hg19) VCF-style: chr1-119965151-T-TA.
Other names: c.1028dup, p.Tyr343Ter (NM_001166120.2); short protein forms Y343*.
Identifiers: ClinVar variation 2746052 (VCV002746052.3), dbSNP rs2526394528, ClinGen allele CA2697554485.

ClinVar aggregate classification (germline): Likely pathogenic (1 of 4 stars; one submission).

Submission:

Labcorp Genetics (formerly Invitae), Labcorp
Classification: Likely pathogenic. Last evaluated: 2023-05-28. Review status: criteria provided, single submitter. Criteria: Invitae Variant Classification Sherloc (09022015). Collection method: clinical testing. Allele origin: germline.
Comment: In summary, the currently available evidence indicates that the variant is pathogenic, but additional data are needed to prove that conclusively. Therefore, this variant has been classified as Likely Pathogenic. This variant disrupts the C-terminus of the HSD3B2 protein, which has been demonstrated to be critical for enzymatic activity (PMID: 1825279). While functional studies have not been performed to directly test the effect of this variant on HSD3B2 protein function, this suggests that disruption of this region of the protein is causative of disease. This variant has not been reported in the literature in individuals affected with HSD3B2-related conditions. This variant is not present in population databases (gnomAD no frequency). This sequence change creates a premature translational stop signal (p.Tyr343*) in the HSD3B2 gene. While this is not anticipated to result in nonsense mediated decay, it is expected to disrupt the last 30 amino acid(s) of the HSD3B2 protein.

Literature cited by the submitters: PubMed 1825279.